The following is an entry in ClinVar:

NM_001378609.3(OTOGL):c.3340del (p.Ser1114fs)

Gene: OTOGL (otogelin like; plus strand). Cytogenetic location: 12q21.31.
Variant type: Deletion.
Coding change: c.3340del on transcript NM_001378609.3 (MANE Select); coding-DNA position 3340, one base deleted (A; older notation c.3340delA).
Protein change: p.Ser1114fs; shifts the reading frame from serine 1114.
Molecular consequence: frameshift variant.
Genome position (GRCh38, 1-based): chr12:80,310,617, A deleted; the last of 3 consecutive A bases (chr12:80,310,615-80,310,617); deleting any one gives the same sequence. VCF-style (leftmost placement, unchanged base first): chr12-80310614-GA-G. GRCh37 (hg19) VCF-style: chr12-80704394-GA-G.
Other names: c.3205del, p.Ser1069fs (NM_001368062.3); c.3340del, p.Ser1114fs (NM_001378610.3, NM_173591.7); short protein forms S1069fs, S1114fs.
Identifiers: ClinVar variation 2632890 (VCV002632890.1), dbSNP rs2541196393, ClinGen allele CA2575264661.

ClinVar aggregate classification (germline): Likely pathogenic (1 of 4 stars; one submission).

Conditions:
OTOGL-related disorder. Also called: OTOGL-related condition.

Submission:

PreventionGenetics, part of Exact Sciences
Classification: Likely pathogenic for OTOGL-related condition. Last evaluated: 2023-06-06. Review status: criteria provided, single submitter. Criteria: ACMG Guidelines, 2015. Collection method: clinical testing. Allele origin: germline.
Comment: The OTOGL c.3313delA variant is predicted to result in a frameshift and premature protein termination (p.Ser1105Valfs*37). To our knowledge, this variant has not been reported in the literature or in a large population database, indicating this variant is rare. Frameshift variants in OTOGL are expected to be pathogenic. This variant is interpreted as likely pathogenic.